The following is an entry in ClinVar:

NM_024422.6(DSC2):c.2194T>G (p.Leu732Val)

Gene: DSC2 (desmocollin 2; minus strand). Cytogenetic location: 18q12.1.
Variant type: single nucleotide variant.
Coding change: c.2194T>G on transcript NM_024422.6 (MANE Select); coding-DNA position 2194, T replaced by G.
Protein change: p.Leu732Val; replaces leucine 732 with valine.
Molecular consequence: missense variant.
Genome position (GRCh38, 1-based): chr18:31,070,782, A>C on the plus strand (T>G on the coding strand, the complement: DSC2 is on the minus strand). VCF-style: chr18-31070782-A-C. GRCh37 (hg19) VCF-style: chr18-28650748-A-C.
Other names: p.L732V:TTA>GTA; c.2194T>G, p.Leu732Val (NM_004949.5); short protein forms L732V.
Identifiers: ClinVar variation 36005 (VCV000036005.76), dbSNP rs151024019, ClinGen allele CA022624.

ClinVar aggregate classification (germline): Conflicting classifications of pathogenicity. Review status: criteria provided, conflicting classifications (1 of 4 stars). 23 submissions from 23 submitters: Uncertain significance (3); Benign (2); Likely benign (11). 7 of the submissions do not count toward it. Last evaluated 2026-06-01.

Conditions:
DSC2-related disorder. Also called: DSC2-related condition.
Cardiovascular phenotype. Identifiers: MedGen CN230736.
Familial isolated arrhythmogenic right ventricular dysplasia. Identifiers: Orphanet 217656, MedGen C4274968, MONDO:0016342.
Arrhythmogenic right ventricular cardiomyopathy (ARVD). Also called: Arrhythmogenic right ventricular dysplasia; Arrhythmogenic cardiomyopathy; Arrhythmogenic Right Ventricular Cardiomyopathy (ARVC); Cardiomyopathy, ARVC. Identifiers: Orphanet 247, MedGen C0349788, MeSH D019571, MONDO:0016587. Disease mechanism: loss of function. Inheritance: Various modes of inheritance.
Cardiomyopathy (CMYO). Also called: Cardiomyopathies. Identifiers: Orphanet 167848, MedGen C0878544, MONDO:0004994, HP:0001638. Inheritance: Various modes of inheritance.
Arrhythmogenic right ventricular dysplasia 11. Also called: Arrhythmogenic Right Ventricular Dysplasia/Cardiomyopathy11; ARRHYTHMOGENIC RIGHT VENTRICULAR DYSPLASIA, FAMILIAL, 11; Arrhythmogenic right ventricular dysplasia 11 with mild palmoplantar keratoderma and woolly hair. Identifiers: MedGen C1864850, MONDO:0012506, OMIM 610476.

Allele frequency attached by ClinVar (database versions not stated): 1000 Genomes Project 30x 0.00047; 1000 Genomes Project 0.00060; ESP Exome Variant Server 0.00108; gnomAD exomes 0.00114; ExAC 0.00120; gnomAD 0.00121 and 0.00138; TOPMed 0.00127.
gnomAD v4.1: 3,077 of 1,613,992 alleles (0.19%); highest among the groups gnomAD compares: Non-Finnish European, 0.24%; 7 homozygotes.

Submissions (23):

CeGaT Center for Human Genetics Tuebingen
Classification: Likely benign. Last evaluated: 2026-06-01. Review status: criteria provided, single submitter. Criteria: CeGaT Center For Human Genetics Tuebingen Variant Classification Criteria Version 2. Collection method: clinical testing. Allele origin: germline. Affected: yes. Observed: 3 variant alleles.
Comment: DSC2: BP4, BS2

Labcorp Genetics (formerly Invitae), Labcorp
Classification: Likely benign for Arrhythmogenic right ventricular dysplasia 11. Last evaluated: 2026-02-03. Review status: criteria provided, single submitter. Criteria: Invitae Variant Classification Sherloc (09022015). Collection method: clinical testing. Allele origin: germline.

ARUP Laboratories, Molecular Genetics and Genomics, ARUP Laboratories
Classification: Likely benign. Last evaluated: 2025-07-03. Review status: criteria provided, single submitter. Criteria: ARUP Molecular Germline Variant Investigation Process 2024. Collection method: clinical testing. Allele origin: germline.

Molecular Diagnostic Laboratory for Inherited Cardiovascular Disease, Montreal Heart Institute
Classification: Likely benign. Last evaluated: 2025-04-09. Review status: criteria provided, single submitter. Criteria: ACMG Guidelines, 2015. Collection method: clinical testing. Allele origin: germline. Affected: no.
Comment: BS1;BP4

Blueprint Genetics
Classification: Likely benign. Last evaluated: 2024-10-15. Review status: criteria provided, single submitter. Criteria: ACMG Guidelines, 2015. Collection method: clinical testing. Allele origin: germline.

All of Us Research Program, National Institutes of Health
Classification: Likely benign for Familial isolated arrhythmogenic right ventricular dysplasia. Last evaluated: 2024-09-24. Review status: criteria provided, single submitter. Criteria: ACMG Guidelines, 2015. Collection method: clinical testing. Allele origin: germline. Inheritance: Autosomal dominant inheritance. Observed: 444 variant alleles, 443 heterozygotes, 1 hemizygote.
Comment: This study involves interpretation of variants in research participants for the purpose of population health screening. Participant phenotype was not available at the time of variant classification. Additional details can be found in publication PMID: 35346344, PMCID: PMC8962531

Cohesion Phenomics
Classification: Benign for Cardiomyopathy. Last evaluated: 2022-10-10. Review status: criteria provided, single submitter. Criteria: ACMG Guidelines, 2015. Collection method: clinical testing. Allele origin: germline. Affected: yes.

CHEO Genetics Diagnostic Laboratory, Children's Hospital of Eastern Ontario
Classification: Benign for Cardiomyopathy. Last evaluated: 2022-07-08. Review status: criteria provided, single submitter. Criteria: ACMG Guidelines, 2015. Collection method: clinical testing. Allele origin: germline.

GeneDx
Classification: Likely benign. Last evaluated: 2021-03-25. Review status: criteria provided, single submitter. Criteria: GeneDx Variant Classification Process June 2021. Collection method: clinical testing. Allele origin: germline. Affected: yes.
Comment: This variant is associated with the following publications: (PMID: 21606390, 21606396, 23299917, 20031616, 21859740, 24055113, 23861362, 23396983, 24967631, 25447171, 21636032, 26899768, 26332594)

Ambry Genetics
Classification: Likely benign for Cardiovascular phenotype. Last evaluated: 2018-06-08. Review status: criteria provided, single submitter. Criteria: Ambry Variant Classification Scheme 2023. Collection method: clinical testing. Allele origin: germline.

Illumina Laboratory Services, Illumina
Classification: Uncertain significance for Arrhythmogenic right ventricular dysplasia 11. Last evaluated: 2018-03-23. Review status: criteria provided, single submitter. Criteria: ICSL Variant Classification Criteria 13 December 2019. Collection method: clinical testing. Allele origin: germline.
Comment: This variant was observed as part of a predisposition screen in an ostensibly healthy population. A literature search was performed for the gene, cDNA change, and amino acid change (where applicable). Publications were found based on this search. However, the evidence from the literature, in combination with allele frequency data from public databases where available, was not sufficient to rule this variant in or out of causing disease. Therefore, this variant is classified as a variant of unknown significance.

Color Diagnostics, LLC DBA Color Health
Classification: Likely benign for Cardiomyopathy. Last evaluated: 2018-03-09. Review status: criteria provided, single submitter. Criteria: ACMG Guidelines, 2015. Collection method: clinical testing. Allele origin: germline.

Laboratory for Molecular Medicine, Mass General Brigham Personalized Medicine
Classification: Likely benign. Last evaluated: 2016-07-06. Review status: criteria provided, single submitter. Criteria: LMM Criteria. Collection method: clinical testing. Allele origin: germline. Observed: 10 variant alleles.
Comment: p.Leu732Val in exon 14 of DSC2: This variant been reported in 4 individuals with ARVC and 1 individual DCM and absent from 700 control chromosomes (Bhuiyan 2009 , Cox 2011, Garcia-Pavia 2011, Quarta 2011). However, it has been identified in 0.2% (134/66698) of European chromosomes by the Exome Aggregation Consortium (Ex AC; dbSNP rs151024019). In addition, Leucine (Le u) at position 732 is not conserved in evolution and the variant is present in f our mammals, suggesting that a change to this position may be tolerated. In summ ary, this variant is likely benign but a modifying role cannot be excluded.

CSER _CC_NCGL, University of Washington
Classification: Uncertain significance for Arrhythmogenic right ventricular dysplasia/cardiomyopathy. Last evaluated: 2014-06-01. Review status: criteria provided, single submitter. Criteria: Amendola et al. (Genome Res. 2015). Collection method: research. Allele origin: germline. Inheritance: Autosomal dominant inheritance. Study: ESP 6500 variant annotation.
Comment: Low GERP score may suggest that this variant may belong in a lower pathogenicity class

Variants classified for the Actionable exomic incidental findings in 6503 participants: challenges of variant classification manuscript

Biesecker Lab/Clinical Genomics Section, National Institutes of Health
Classification: Likely benign for Arrhythmogenic right ventricular dysplasia/cardiomyopathy. Last evaluated: 2013-06-24. Review status: criteria provided, single submitter. Criteria: Ng et al. (Circ Cardiovasc Genet. 2013). Collection method: research. Allele origin: unknown. Observed: 2 variant alleles. Study: ClinSeq.
Comment: The study set was not selected for affection status in relation to any cancer. Pathogenicity categories were based on literature curation. See Pubmed ID:23861362 for details.

Medical sequencing

Stanford Center for Inherited Cardiovascular Disease, Stanford University
Classification: Uncertain significance. Review status: criteria provided, single submitter. Criteria: ACMG Guidelines, 2015. Collection method: provider interpretation. Allele origin: germline.

PreventionGenetics, part of Exact Sciences
Classification: Likely benign for DSC2-related condition. Last evaluated: 2021-04-07. Review status: no assertion criteria provided. Collection method: clinical testing. Allele origin: germline. Not counted in ClinVar's aggregate classification.
Comment: This variant is classified as likely benign based on ACMG/AMP sequence variant interpretation guidelines (Richards et al. 2015 PMID: 25741868, with internal and published modifications).

Women's Health and Genetics/Laboratory Corporation of America, LabCorp
Classification: Benign for Arrhythmogenic right ventricular cardiomyopathy. Last evaluated: 2015-03-18. Review status: no assertion criteria provided. Collection method: clinical testing. Allele origin: germline. Not counted in ClinVar's aggregate classification.

Clinical Genetics DNA and cytogenetics Diagnostics Lab, Erasmus MC, Erasmus Medical Center
Classification: Likely benign. Review status: no assertion criteria provided. Collection method: clinical testing. Allele origin: germline. Affected: yes. Study: VKGL Data-share Consensus. Not counted in ClinVar's aggregate classification.

Clinical Genetics, Academic Medical Center
Classification: Benign. Review status: no assertion criteria provided. Collection method: clinical testing. Allele origin: germline. Affected: yes. Study: VKGL Data-share Consensus. Not counted in ClinVar's aggregate classification.

Diagnostic Laboratory, Department of Genetics, University Medical Center Groningen
Classification: Likely benign. Review status: no assertion criteria provided. Collection method: clinical testing. Allele origin: germline. Affected: yes. Study: VKGL Data-share Consensus. Not counted in ClinVar's aggregate classification.

Genome Diagnostics Laboratory, University Medical Center Utrecht
Classification: Likely benign. Review status: no assertion criteria provided. Collection method: clinical testing. Allele origin: germline. Affected: yes. Study: VKGL Data-share Consensus. Not counted in ClinVar's aggregate classification.

Joint Genome Diagnostic Labs from Nijmegen and Maastricht, Radboudumc and MUMC+
Classification: Likely benign. Review status: no assertion criteria provided. Collection method: clinical testing. Allele origin: germline. Affected: yes. Study: VKGL Data-share Consensus. Not counted in ClinVar's aggregate classification.

Literature cited by the submitters: PubMed 20031616 (cited by 3 submitters); PubMed 21606390 (cited by 3 submitters); PubMed 21606396 (cited by 3 submitters); PubMed 21859740 (cited by 3 submitters); PubMed 23299917 (cited by Ambry Genetics and Illumina Laboratory Services, Illumina); PubMed 23861362 (cited by Ambry Genetics and Illumina Laboratory Services, Illumina); PubMed 24055113 (cited by Ambry Genetics and Illumina Laboratory Services, Illumina); PubMed 24967631 (cited by Ambry Genetics and Illumina Laboratory Services, Illumina); PubMed 25351510 (cited by Ambry Genetics); PubMed 25447171 (cited by Ambry Genetics and Illumina Laboratory Services, Illumina); PubMed 25637381 (cited by Ambry Genetics and Illumina Laboratory Services, Illumina); PubMed 28255936 (cited by Ambry Genetics).